The following is an entry in ClinVar:

ClinVar aggregate classification (germline): Uncertain significance (1 of 4 stars; one submission).

gnomAD v4.1: 2 of 1,613,824 alleles (0.00012%); highest among the groups gnomAD compares: Non-Finnish European, 0.00017%; no homozygotes.

Submission:

Labcorp Genetics (formerly Invitae), Labcorp
Classification: Uncertain significance. Last evaluated: 2025-10-01. Review status: criteria provided, single submitter. Criteria: Invitae Variant Classification Sherloc (09022015). Collection method: clinical testing. Allele origin: germline.
Comment: This sequence change replaces phenylalanine, which is neutral and non-polar, with leucine, which is neutral and non-polar, at codon 2018 of the FLNB protein (p.Phe2018Leu). This variant is not present in population databases (gnomAD no frequency). This variant has not been reported in the literature in individuals affected with FLNB-related conditions. Invitae Evidence Modeling of protein sequence and biophysical properties (such as structural, functional, and spatial information, amino acid conservation, physicochemical variation, residue mobility, and thermodynamic stability) indicates that this missense variant is not expected to disrupt FLNB protein function with a negative predictive value of 95%. In summary, the available evidence is currently insufficient to determine the role of this variant in disease. Therefore, it has been classified as a Variant of Uncertain Significance.

NM_001457.4(FLNB):c.6054C>A (p.Phe2018Leu)

Gene: FLNB (filamin B; plus strand). Cytogenetic location: 3p14.3.
Variant type: single nucleotide variant.
Coding change: c.6054C>A on transcript NM_001457.4 (MANE Select); coding-DNA position 6054, C replaced by A.
Protein change: p.Phe2018Leu; replaces phenylalanine 2018 with leucine.
Molecular consequence: missense variant.
Genome position (GRCh38, 1-based): chr3:58,148,815, C>A. VCF-style: chr3-58148815-C-A. GRCh37 (hg19) VCF-style: chr3-58134542-C-A.
Other names: c.6147C>A, p.Phe2049Leu (NM_001164317.2); c.6021C>A, p.Phe2007Leu (NM_001164318.2); c.5982C>A, p.Phe1994Leu (NM_001164319.2); short protein forms F1994L, F2018L, F2007L, F2049L.
Identifiers: ClinVar variation 4777929 (VCV004777929.1).